The following is an entry in ClinVar:

NM_001277115.2(DNAH11):c.5152A>G (p.Ile1718Val)

Gene: DNAH11 (dynein axonemal heavy chain 11; plus strand). Cytogenetic location: 7p15.3.
Variant type: single nucleotide variant.
Coding change: c.5152A>G on transcript NM_001277115.2 (MANE Select); coding-DNA position 5152, A replaced by G.
Protein change: p.Ile1718Val; replaces isoleucine 1718 with valine.
Molecular consequence: missense variant.
Genome position (GRCh38, 1-based): chr7:21,658,855, A>G. VCF-style: chr7-21658855-A-G. GRCh37 (hg19) VCF-style: chr7-21698473-A-G.
Other names: short protein forms I1718V.
Identifiers: ClinVar variation 226586 (VCV000226586.25), dbSNP rs137855415, ClinGen allele CA4180322.

ClinVar aggregate classification (germline): Benign/Likely benign. Review status: criteria provided, multiple submitters, no conflicts (2 of 4 stars). 5 submissions from 5 submitters: Benign (3); Likely benign (1). 1 of the submissions does not count toward it. Last evaluated 2026-01-27.

Conditions:
DNAH11-related disorder. Also called: DNAH11-related condition.
Primary ciliary dyskinesia. Also called: Ciliary dyskinesia. Identifiers: Orphanet 244, MedGen C0008780, MONDO:0016575, HP:0012265.

Allele frequency attached by ClinVar (database versions not stated): gnomAD exomes 0.00021 and 0.00112; gnomAD 0.00029 and 0.00041; TOPMed 0.00032; ExAC 0.00145; 1000 Genomes Project 30x 0.00203; 1000 Genomes Project 0.00220.
gnomAD v4.1: 401 of 1,606,182 alleles (0.025%); highest among the groups gnomAD compares: East Asian, 0.77%; 5 homozygotes.

Submissions (5):

Labcorp Genetics (formerly Invitae), Labcorp
Classification: Benign for Primary ciliary dyskinesia. Last evaluated: 2026-01-27. Review status: criteria provided, single submitter. Criteria: Invitae Variant Classification Sherloc (09022015). Collection method: clinical testing. Allele origin: germline.

Blueprint Genetics
Classification: Likely benign. Last evaluated: 2024-11-21. Review status: criteria provided, single submitter. Criteria: ACMG Guidelines, 2015. Collection method: clinical testing. Allele origin: germline.

Ambry Genetics
Classification: Benign for Primary ciliary dyskinesia. Last evaluated: 2016-04-13. Review status: criteria provided, single submitter. Criteria: Ambry Variant Classification Scheme 2023. Collection method: clinical testing. Allele origin: germline.

Laboratory for Molecular Medicine, Mass General Brigham Personalized Medicine
Classification: Benign. Last evaluated: 2015-10-12. Review status: criteria provided, single submitter. Criteria: LMM Criteria. Collection method: clinical testing. Allele origin: germline. Observed: 1 variant allele.
Comment: p.Ile1718Val in exon 30 of DNAH11: This variant is not expected to have clinical significance because it has been identified in 2.0% (90/4388) of East Asian chr omosomes by the Exome Aggregation Consortium (ExAC, rg; dbSNP rs137855415).

PreventionGenetics, part of Exact Sciences
Classification: Benign for DNAH11-related condition. Last evaluated: 2019-08-14. Review status: no assertion criteria provided. Collection method: clinical testing. Allele origin: germline. Not counted in ClinVar's aggregate classification.
Comment: This variant is classified as benign based on ACMG/AMP sequence variant interpretation guidelines (Richards et al. 2015 PMID: 25741868, with internal and published modifications).